The following is an entry in ClinVar:

NM_001375524.1(TRRAP):c.10557T>A (p.Ile3519=)

Gene: TRRAP (transformation/transcription domain associated protein; plus strand). Cytogenetic location: 7q22.1.
Variant type: single nucleotide variant.
Coding change: c.10557T>A on transcript NM_001375524.1 (MANE Select); coding-DNA position 10557, T replaced by A.
Protein change: p.Ile3519=; no amino-acid change (isoleucine 3519 retained).
Molecular consequence: synonymous variant.
Genome position (GRCh38, 1-based): chr7:99,005,152, T>A. VCF-style: chr7-99005152-T-A. GRCh37 (hg19) VCF-style: chr7-98602775-T-A.
Other names: c.10515T>A, p.Ile3505= (NM_001244580.2); c.10428T>A, p.Ile3476= (NM_003496.4); c.10428T>A (NM_003496.3).
Identifiers: ClinVar variation 2179038 (VCV002179038.5), dbSNP rs139436921, ClinGen allele CA4361951.

ClinVar aggregate classification (germline): Likely benign. Review status: criteria provided, multiple submitters, no conflicts (2 of 4 stars). 2 submissions from 2 submitters: Likely benign (2). Last evaluated 2026-01-30.

Conditions:
TRRAP-related disorder. Also called: TRRAP-related condition.

Allele frequency attached by ClinVar (database versions not stated): ESP Exome Variant Server 0.00015; 1000 Genomes Project 0.00020; 1000 Genomes Project 30x 0.00031.
gnomAD v4.1: 104 of 1,613,786 alleles (0.0064%); highest among the groups gnomAD compares: African/African-American, 0.031%; no homozygotes.

Submissions (2):

Labcorp Genetics (formerly Invitae), Labcorp
Classification: Likely benign. Last evaluated: 2026-01-30. Review status: criteria provided, single submitter. Criteria: Invitae Variant Classification Sherloc (09022015). Collection method: clinical testing. Allele origin: germline.

PreventionGenetics, part of Exact Sciences
Classification: Likely benign for TRRAP-related condition. Last evaluated: 2024-12-11. Review status: criteria provided, single submitter. Criteria: ACMG Guidelines, 2015. Collection method: clinical testing. Allele origin: germline.
Comment: This variant is classified as likely benign based on ACMG/AMP sequence variant interpretation guidelines (Richards et al. 2015 PMID: 25741868, with internal and published modifications).